The following is an entry in ClinVar:

NM_000136.3(FANCC):c.219del (p.Ala74fs)

Gene: FANCC (FA complementation group C; minus strand). Cytogenetic location: 9q22.32.
Variant type: Deletion.
Coding change: c.219del on transcript NM_000136.3 (MANE Select); coding-DNA position 219, one base deleted (A; older notation c.219delA).
Protein change: p.Ala74fs; shifts the reading frame from alanine 74.
Molecular consequence: frameshift variant.
Genome position (GRCh38, 1-based): chr9:95,247,463, T deleted on the plus strand (A on the coding strand, the reverse complement: FANCC is on the minus strand); the first of 4 consecutive T bases (chr9:95,247,463-95,247,466); deleting any one gives the same sequence. VCF-style (leftmost placement, unchanged base first): chr9-95247462-CT-C. GRCh37 (hg19) VCF-style: chr9-98009744-CT-C.
Other names: c.219del, p.Ala74fs (NM_001243743.2, NM_001243744.2); short protein forms A74fs.
Identifiers: ClinVar variation 5014127 (VCV005014127.1).

ClinVar aggregate classification (germline): Pathogenic (1 of 4 stars; one submission).

Conditions:
Fanconi anemia complementation group C (FANCC). Also called: FANCONI PANCYTOPENIA, TYPE 3; FACC; Fanconi anemia, group C; FANCC-Related Fanconi Anemia. Identifiers: Orphanet 84, MedGen C3468041, MONDO:0009213, OMIM 227645.

Submission:

Myriad Genetics, Inc.
Classification: Pathogenic for Fanconi anemia complementation group C. Last evaluated: 2025-02-22. Review status: criteria provided, single submitter. Criteria: Myriad Autosomal Dominant, Autosomal Recessive and X-Linked Classification Criteria (2023). Collection method: clinical testing. Allele origin: unknown.
Comment: NM_000136.2(FANCC):c.219delA(A74Lfs*8) is expected to be pathogenic in the context of Fanconi anemia, FANCC-related. This variant is predicted to lead to an abnormal or absent protein product due to the creation of a premature termination codon in FANCC, a gene where loss-of-function variants are known to be pathogenic. Please note: this variant was assessed in the context of healthy population screening.